The following is an entry in ClinVar:

NM_000138.5(FBN1):c.458del (p.Gly153fs)

Gene: FBN1 (fibrillin 1; minus strand). Cytogenetic location: 15q21.1.
Variant type: Deletion.
Coding change: c.458del on transcript NM_000138.5 (MANE Select); coding-DNA position 458, one base deleted (G; older notation c.458delG).
Protein change: p.Gly153fs; shifts the reading frame from glycine 153.
Molecular consequence: frameshift variant.
Genome position (GRCh38, 1-based): chr15:48,596,363, C deleted on the plus strand (G on the coding strand, the reverse complement: FBN1 is on the minus strand); the first of 2 consecutive C bases (chr15:48,596,363-48,596,364); deleting either gives the same sequence. VCF-style (leftmost placement, unchanged base first): chr15-48596362-GC-G. GRCh37 (hg19) VCF-style: chr15-48888559-GC-G.
Other names: p.G153Afs*37; c.457delG, p.Gly153Alafs (NM_001406716.1, NM_001406717.1); c.457del (NM_000138.5); short protein forms G153fs.
Identifiers: ClinVar variation 1706525 (VCV001706525.3), dbSNP rs2505755130, ClinGen allele CA2580089565.
Genomic context (GRCh38, chr15:48,596,362, plus strand): 5'-AGTAAATCCGTAAGTGCATGCACATCGATTTGGGGCCACACACCTTCCTCCATTGAGACA[GC>G]CACTTTCACAAACAGCTGTAAAATAAGGAGAGAGCTGAGACGCTTTACCTGAAAATAAAT-3'

ClinVar aggregate classification (germline): Likely pathogenic. Review status: criteria provided, multiple submitters, no conflicts (2 of 4 stars). 2 submissions from 2 submitters: Likely pathogenic (2). Last evaluated 2024-01-22.

Conditions:
Marfan syndrome (MFS). Also called: Marfan's syndrome; Marfan syndrome, classic; MARFAN SYNDROME, TYPE I; Marfan syndrome type 1; FBN1-Related Marfan Syndrome. Identifiers: Orphanet 284963, Orphanet 558, MedGen C0024796, MONDO:0007947, OMIM 154700.

Submissions (2):

Clinical Genetics Laboratory, Skane University Hospital Lund
Classification: Likely pathogenic. Last evaluated: 2024-01-22. Review status: criteria provided, single submitter. Criteria: ACMG Guidelines, 2015. Collection method: clinical testing. Allele origin: germline. Affected: yes.

Petrovsky National Research Centre of Surgery, The Federal Agency for Scientific Organizations
Classification: Likely pathogenic for Marfan syndrome. Last evaluated: 2022-09-15. Review status: criteria provided, single submitter. Criteria: ACMG Guidelines, 2015. Collection method: clinical testing. Allele origin: germline. Inheritance: Autosomal dominant inheritance. Affected: yes. Observed: 1 heterozygote.
Comment: The c.457del (p.G153Afs*37) genetic variant in the FBN1 gene is predicted to introduce a premature translation termination codon. This variant is not present in databases (gnomAD, LOVD). According to NMD Esc Predictor, mRNA carrying this variant, will be processed through nonsense-mediated decay mechanism, leading to haploinsufficiency. We assume that the c.457del (p.G153Afs*37) variant could be classified as Likely Pathogenic.